The following is an entry in ClinVar:

NM_000059.4(BRCA2):c.1845_1846del (p.Asn615fs)

Gene: BRCA2 (BRCA2 DNA repair associated; plus strand). Cytogenetic location: 13q13.1.
Variant type: Deletion.
Coding change: c.1845_1846del on transcript NM_000059.4 (MANE Select); coding-DNA positions 1845 to 1846, 2 bases deleted (CT; older notation c.1845_1846delCT).
Protein change: p.Asn615fs; shifts the reading frame from asparagine 615.
Molecular consequence: frameshift variant.
Genome position (GRCh38, 1-based): chr13:32,333,323-32,333,324, CT deleted. VCF-style (leftmost placement, unchanged base first): chr13-32333322-ACT-A. GRCh37 (hg19) VCF-style: chr13-32907459-ACT-A.
Other names: 2073_2074delCT; c.1845_1846delCT (NM_000059.3).
Identifiers: ClinVar variation 266664 (VCV000266664.16), dbSNP rs886040393, ClinGen allele CA10589123.

ClinVar aggregate classification (germline): Pathogenic. Review status: reviewed by expert panel (3 of 4 stars). 3 submissions from 3 submitters: Pathogenic (1). 2 of the submissions do not count toward it. Last evaluated 2016-10-18.

Conditions:
Hereditary breast ovarian cancer syndrome. Also called: Hereditary breast and ovarian cancer; Hereditary breast and ovarian cancer syndrome (HBOC); Hereditary breast and/or ovarian cancer syndrome; Breast and ovarian cancer; Hereditary breast and ovarian cancer syndrome; BRCA1- and BRCA2-Associated Hereditary Breast and Ovarian Cancer. Identifiers: Orphanet 145, MedGen C0677776, MeSH D061325, MONDO:0003582. Disease mechanism: loss of function.
Breast-ovarian cancer, familial, susceptibility to, 2 (BROVCA2). Also called: BRCA2 Hereditary Breast and Ovarian Cancer. Identifiers: Orphanet 145, MedGen C2675520, MONDO:0012933, OMIM 612555. Disease mechanism: loss of function.

Submissions (3):

Evidence-based Network for the Interpretation of Germline Mutant Alleles (ENIGMA)
Classification: Pathogenic for Breast-ovarian cancer, familial, susceptibility to, 2. Last evaluated: 2016-10-18. Review status: reviewed by expert panel. Criteria: ENIGMA BRCA1/2 Classification Criteria (2015). Collection method: curation. Allele origin: germline.
Comment: Variant allele predicted to encode a truncated non-functional protein.

Labcorp Genetics (formerly Invitae), Labcorp
Classification: Pathogenic for Hereditary breast ovarian cancer syndrome. Last evaluated: 2019-02-26. Review status: criteria provided, single submitter. Criteria: Invitae Variant Classification Sherloc (09022015). Collection method: clinical testing. Allele origin: germline. Not counted in ClinVar's aggregate classification.
Comment: For these reasons, this variant has been classified as Pathogenic. Loss-of-function variants in BRCA2 are known to be pathogenic (PMID: 20104584). Several members in this family are affected with early onset of multiple primary cancers, including breast cancer, colorectal cancer, and lymphoma (PMID: 24301060). ClinVar contains an entry for this variant (Variation ID: 266664). This variant is not present in population databases (ExAC no frequency). This sequence change creates a premature translational stop signal (p.Asn615Lysfs*6) in the BRCA2 gene. It is expected to result in an absent or disrupted protein product.

Consortium of Investigators of Modifiers of BRCA1/2 (CIMBA), c/o University of Cambridge
Classification: Pathogenic for Breast-ovarian cancer, familial, susceptibility to, 2. Last evaluated: 2015-10-02. Review status: criteria provided, single submitter. Criteria: CIMBA Mutation Classification guidelines May 2016. Collection method: clinical testing. Allele origin: germline. Not counted in ClinVar's aggregate classification.

Literature cited by the submitters: PubMed 20104584 (cited by Labcorp Genetics (formerly Invitae), Labcorp); PubMed 24301060 (cited by Labcorp Genetics (formerly Invitae), Labcorp).